The following is an entry in ClinVar:

NM_199355.4(ADAMTS18):c.3562T>A (p.Cys1188Ser)

Gene: ADAMTS18 (ADAM metallopeptidase with thrombospondin type 1 motif 18; minus strand). Cytogenetic location: 16q23.1.
Variant type: single nucleotide variant.
Coding change: c.3562T>A on transcript NM_199355.4 (MANE Select); coding-DNA position 3562, T replaced by A.
Protein change: p.Cys1188Ser; replaces cysteine 1188 with serine.
Molecular consequence: missense variant.
Genome position (GRCh38, 1-based): chr16:77,284,060, A>T on the plus strand (T>A on the coding strand, the complement: ADAMTS18 is on the minus strand). VCF-style: chr16-77284060-A-T. GRCh37 (hg19) VCF-style: chr16-77317957-A-T.
Other names: c.3046T>A, p.Cys1016Ser (NM_001326358.2); short protein forms C1016S, C1188S.
Identifiers: ClinVar variation 954545 (VCV000954545.9), dbSNP rs761150429, ClinGen allele CA8180350.

ClinVar aggregate classification (germline): Uncertain significance (1 of 4 stars; one submission).

Allele frequency attached by ClinVar (database versions not stated): TOPMed 0.00001; ExAC 0.00002; gnomAD exomes 0.00003.
gnomAD v4.1: 14 of 1,610,384 alleles (0.00087%); highest among the groups gnomAD compares: South Asian, 0.012%; no homozygotes.

Submission:

Labcorp Genetics (formerly Invitae), Labcorp
Classification: Uncertain significance. Last evaluated: 2023-12-11. Review status: criteria provided, single submitter. Criteria: Invitae Variant Classification Sherloc (09022015). Collection method: clinical testing. Allele origin: germline.
Comment: This sequence change replaces cysteine, which is neutral and slightly polar, with serine, which is neutral and polar, at codon 1188 of the ADAMTS18 protein (p.Cys1188Ser). This variant is present in population databases (rs761150429, gnomAD 0.02%). This variant has not been reported in the literature in individuals affected with ADAMTS18-related conditions. ClinVar contains an entry for this variant (Variation ID: 954545). An algorithm developed to predict the effect of missense changes on protein structure and function (PolyPhen-2) suggests that this variant is likely to be disruptive. In summary, the available evidence is currently insufficient to determine the role of this variant in disease. Therefore, it has been classified as a Variant of Uncertain Significance.